The following is an entry in ClinVar:

NM_000088.4(COL1A1):c.2355T>A (p.Gly785=)

Gene: COL1A1 (collagen type I alpha 1 chain; minus strand). Cytogenetic location: 17q21.33.
Variant type: single nucleotide variant.
Coding change: c.2355T>A on transcript NM_000088.4 (MANE Select); coding-DNA position 2355, T replaced by A.
Protein change: p.Gly785=; no amino-acid change (glycine 785 retained).
Molecular consequence: synonymous variant.
Genome position (GRCh38, 1-based): chr17:50,190,585, A>T on the plus strand (T>A on the coding strand, the complement: COL1A1 is on the minus strand). VCF-style: chr17-50190585-A-T. GRCh37 (hg19) VCF-style: chr17-48267946-A-T.
Other names: p.Gly785=.
Identifiers: ClinVar variation 1148506 (VCV001148506.31), dbSNP rs137937544, ClinGen allele CA8644848.

ClinVar aggregate classification (germline): Benign/Likely benign. Review status: criteria provided, multiple submitters, no conflicts (2 of 4 stars). 7 submissions from 7 submitters: Benign (1); Likely benign (5). 1 of the submissions does not count toward it. Last evaluated 2026-02-17.

Conditions:
COL1A1-related disorder. Also called: COL1A1- related disease; COL1A1-related condition.
Cardiovascular phenotype. Identifiers: MedGen CN230736.
Osteogenesis imperfecta type I (OI1). Also called: Lobstein's Disease; Lobstein disease; Classic Non-deforming Osteogenesis Imperfecta with Blue Sclerae; Osteogenesis imperfecta type 1; OI, TYPE I; OSTEOGENESIS IMPERFECTA TARDA. Identifiers: Orphanet 216796, Orphanet 666, MedGen C0023931, MONDO:0008146, OMIM 166200. Disease mechanism: loss of function.

Allele frequency attached by ClinVar (database versions not stated): gnomAD exomes 0.00012 and 0.00004; ExAC 0.00001; gnomAD 0.00003 and 0.00004; TOPMed 0.00005; ESP Exome Variant Server 0.00008.
gnomAD v4.1: 184 of 1,613,148 alleles (0.011%); highest among the groups gnomAD compares: Non-Finnish European, 0.015%; no homozygotes.

Submissions (7):

Women's Health and Genetics/Laboratory Corporation of America, LabCorp
Classification: Benign. Last evaluated: 2026-02-17. Review status: criteria provided, single submitter. Criteria: LabCorp Variant Classification Summary - May 2015. Collection method: clinical testing. Allele origin: germline.

CeGaT Center for Human Genetics Tuebingen
Classification: Likely benign. Last evaluated: 2025-12-01. Review status: criteria provided, single submitter. Criteria: CeGaT Center For Human Genetics Tuebingen Variant Classification Criteria Version 2. Collection method: clinical testing. Allele origin: germline. Affected: yes. Observed: 2 variant alleles.
Comment: COL1A1: BP4, BP7

Labcorp Genetics (formerly Invitae), Labcorp
Classification: Likely benign for Osteogenesis imperfecta type I. Last evaluated: 2025-11-04. Review status: criteria provided, single submitter. Criteria: Invitae Variant Classification Sherloc (09022015). Collection method: clinical testing. Allele origin: germline.

Mayo Clinic Laboratories, Mayo Clinic
Classification: Likely benign. Last evaluated: 2025-01-30. Review status: criteria provided, single submitter. Criteria: ACMG Guidelines, 2015. Collection method: clinical testing. Allele origin: germline. Observed: 3 variant alleles.

GeneDx
Classification: Likely benign. Last evaluated: 2020-06-12. Review status: criteria provided, single submitter. Criteria: GeneDx Variant Classification Process June 2021. Collection method: clinical testing. Allele origin: germline. Affected: yes.
Comment: Has not been previously published as pathogenic or benign to our knowledge

Ambry Genetics
Classification: Likely benign for Cardiovascular phenotype. Last evaluated: 2019-10-28. Review status: criteria provided, single submitter. Criteria: Ambry Variant Classification Scheme 2023. Collection method: clinical testing. Allele origin: germline.

PreventionGenetics, part of Exact Sciences
Classification: Likely benign for COL1A1-related condition. Last evaluated: 2019-03-29. Review status: no assertion criteria provided. Collection method: clinical testing. Allele origin: germline. Not counted in ClinVar's aggregate classification.
Comment: This variant is classified as likely benign based on ACMG/AMP sequence variant interpretation guidelines (Richards et al. 2015 PMID: 25741868, with internal and published modifications).